The following is an entry in ClinVar:

NM_001903.5(CTNNA1):c.813G>A (p.Gln271=)

Gene: CTNNA1 (catenin alpha 1; plus strand). Cytogenetic location: 5q31.2.
Variant type: single nucleotide variant.
Coding change: c.813G>A on transcript NM_001903.5 (MANE Select); coding-DNA position 813, G replaced by A.
Protein change: p.Gln271=; no amino-acid change (glutamine 271 retained).
Molecular consequence: synonymous variant.
Genome position (GRCh38, 1-based): chr5:138,824,754, G>A. VCF-style: chr5-138824754-G-A. GRCh37 (hg19) VCF-style: chr5-138160443-G-A.
Other names: c.813G>A, p.Gln271= (NM_001290307.3, NM_001323982.2, NM_001323983.1 and 3 more transcripts); c.504G>A, p.Gln168= (NM_001290309.3); c.444G>A, p.Gln148= (NM_001290310.3).
Identifiers: ClinVar variation 1147491 (VCV001147491.12), dbSNP rs2149776592, ClinGen allele CA446595068.

ClinVar aggregate classification (germline): Benign/Likely benign. Review status: criteria provided, multiple submitters, no conflicts (2 of 4 stars). 3 submissions from 3 submitters: Benign (1); Likely benign (2). Last evaluated 2025-02-09.

Conditions:
Hereditary cancer-predisposing syndrome. Also called: Hereditary neoplastic syndrome; Tumor predisposition; Neoplastic Syndromes, Hereditary; Hereditary Cancer Syndrome. Identifiers: Orphanet 140162, MedGen C0027672, MeSH D009386, MONDO:0015356.
Hereditary diffuse gastric adenocarcinoma (HDGC). Also called: DIFFUSE GASTRIC AND LOBULAR BREAST CANCER SYNDROME. Identifiers: Orphanet 26106, MedGen C1708349, MONDO:0007648, OMIM 137215.

Submissions (3):

Labcorp Genetics (formerly Invitae), Labcorp
Classification: Likely benign. Last evaluated: 2025-02-09. Review status: criteria provided, single submitter. Criteria: Invitae Variant Classification Sherloc (09022015). Collection method: clinical testing. Allele origin: germline.

Myriad Genetics, Inc.
Classification: Benign for Hereditary diffuse gastric adenocarcinoma. Last evaluated: 2024-10-10. Review status: criteria provided, single submitter. Criteria: Myriad Autosomal Dominant, Autosomal Recessive and X-Linked Classification Criteria (2023). Collection method: clinical testing. Allele origin: unknown.
Comment: This variant is considered benign. This variant is a silent/synonymous amino acid change and it is not expected to impact splicing.

Ambry Genetics
Classification: Likely benign for Hereditary cancer-predisposing syndrome. Last evaluated: 2020-02-05. Review status: criteria provided, single submitter. Criteria: Ambry Variant Classification Scheme 2023. Collection method: clinical testing. Allele origin: germline.